The following is an entry in ClinVar:

ClinVar aggregate classification (germline): Uncertain significance. Review status: criteria provided, multiple submitters, no conflicts (2 of 4 stars). 2 submissions from 2 submitters: Uncertain significance (2). Last evaluated 2025-04-07.

Conditions:
Hereditary cancer-predisposing syndrome. Also called: Neoplastic Syndromes, Hereditary; Tumor predisposition; Hereditary Cancer Syndrome; Hereditary neoplastic syndrome. Identifiers: Orphanet 140162, MedGen C0027672, MeSH D009386, MONDO:0015356.
Neurofibromatosis, type 2 (SWNV). Also called: BILATERAL ACOUSTIC NEUROFIBROMATOSIS; SCHWANNOMATOSIS, VESTIBULAR; NF2-Related Schwannomatosis. Identifiers: Orphanet 637, MedGen C0027832, MONDO:0007039, OMIM 101000. Disease mechanism: loss of function.

Allele frequency attached by ClinVar (database versions not stated): ExAC 0.00001; ESP Exome Variant Server 0.00008.
gnomAD v4.1: 1 of 1,603,202 alleles (0.000062%); highest among the groups gnomAD compares: Non-Finnish European, 0.000085%; no homozygotes.

Submissions (2):

Ambry Genetics
Classification: Uncertain significance for Hereditary cancer-predisposing syndrome. Last evaluated: 2025-04-07. Review status: criteria provided, single submitter. Criteria: Ambry Variant Classification Scheme 2023. Collection method: clinical testing. Allele origin: germline.
Comment: The c.1340+5G>A intronic variant results from a G to A substitution 5 nucleotides after coding exon 12 in the NF2 gene. This nucleotide position is well conserved in available vertebrate species. In silico splice site analysis predicts that this alteration may result in the creation or strengthening of a novel splice donor site; however, direct evidence is insufficient at this time (Ambry internal data). Based on the available evidence, the clinical significance of this variant remains unclear.

Labcorp Genetics (formerly Invitae), Labcorp
Classification: Uncertain significance for Neurofibromatosis, type 2. Last evaluated: 2024-04-22. Review status: criteria provided, single submitter. Criteria: Invitae Variant Classification Sherloc (09022015). Collection method: clinical testing. Allele origin: germline.
Comment: This sequence change falls in intron 12 of the NF2 gene. It does not directly change the encoded amino acid sequence of the NF2 protein. It affects a nucleotide within the consensus splice site. This variant is present in population databases (rs376212891, gnomAD 0.001%). This variant has not been reported in the literature in individuals affected with NF2-related conditions. ClinVar contains an entry for this variant (Variation ID: 2171876). Variants that disrupt the consensus splice site are a relatively common cause of aberrant splicing (PMID: 17576681, 9536098). Algorithms developed to predict the effect of sequence changes on RNA splicing suggest that this variant may disrupt the consensus splice site. In summary, the available evidence is currently insufficient to determine the role of this variant in disease. Therefore, it has been classified as a Variant of Uncertain Significance.

Literature cited by the submitters: PubMed 17576681 (cited by Labcorp Genetics (formerly Invitae), Labcorp); PubMed 9536098 (cited by Labcorp Genetics (formerly Invitae), Labcorp).

NM_000268.4(NF2):c.1340+5G>A

Gene: NF2 (NF2, moesin-ezrin-radixin like (MERLIN) tumor suppressor; plus strand). Cytogenetic location: 22q12.2.
Variant type: single nucleotide variant.
Coding change: c.1340+5G>A on transcript NM_000268.4 (MANE Select); 5 bases into the intron after coding-DNA position 1340, G replaced by A.
Molecular consequence: intron variant.
Genome position (GRCh38, 1-based): chr22:29,673,491, G>A. VCF-style: chr22-29673491-G-A. GRCh37 (hg19) VCF-style: chr22-30069480-G-A.
Other names: c.1340+5G>A (NM_000268.3, NM_016418.5, NM_181832.3 and 1 more transcripts); c.448-21261G>A (NM_181833.3); c.1217+5G>A (NM_181829.3); c.1214+5G>A (NM_181828.3); c.1091+5G>A (NM_181830.3, NM_181831.3).
Identifiers: ClinVar variation 2171876 (VCV002171876.5), dbSNP rs376212891, ClinGen allele CA029724.